The following is an entry in ClinVar:

NM_004006.3(DMD):c.8596C>G (p.Leu2866Val)

Gene: DMD (dystrophin; minus strand). Cytogenetic location: Xp21.2.
Variant type: single nucleotide variant.
Coding change: c.8596C>G on transcript NM_004006.3 (MANE Select); coding-DNA position 8596, C replaced by G.
Protein change: p.Leu2866Val; replaces leucine 2866 with valine.
Molecular consequence: missense variant.
Genome position (GRCh38, 1-based): chrX:31,479,055, G>C on the plus strand (C>G on the coding strand, the complement: DMD is on the minus strand). VCF-style: chrX-31479055-G-C. GRCh37 (hg19) VCF-style: chrX-31497172-G-C.
Other names: c.8572C>G, p.Leu2858Val (NM_000109.4); c.8584C>G, p.Leu2862Val (NM_004009.3); c.8227C>G, p.Leu2743Val (NM_004010.3); c.4573C>G, p.Leu1525Val (NM_004011.4); c.4564C>G, p.Leu1522Val (NM_004012.4); c.1216C>G, p.Leu406Val (NM_004013.3, NM_004020.4, NM_004021.3 and 2 more transcripts); c.409C>G, p.Leu137Val (NM_004014.3); short protein forms L1522V, L2862V, L406V, L1525V, L2743V, L2858V, L137V, L2866V.
Identifiers: ClinVar variation 1489572 (VCV001489572.8), dbSNP rs1603225951, ClinGen allele CA412654581.

ClinVar aggregate classification (germline): Uncertain significance (1 of 4 stars; one submission).

Conditions:
Duchenne muscular dystrophy (DMD). Also called: Duchenne Muscular Dystrophy (DMD); MUSCULAR DYSTROPHY, PSEUDOHYPERTROPHIC PROGRESSIVE, DUCHENNE TYPE. Identifiers: Orphanet 98896, MedGen C0013264, MONDO:0010679, OMIM 310200.

Submission:

Labcorp Genetics (formerly Invitae), Labcorp
Classification: Uncertain significance for Duchenne muscular dystrophy. Last evaluated: 2022-03-27. Review status: criteria provided, single submitter. Criteria: Invitae Variant Classification Sherloc (09022015). Collection method: clinical testing. Allele origin: germline.
Comment: In summary, the available evidence is currently insufficient to determine the role of this variant in disease. Therefore, it has been classified as a Variant of Uncertain Significance. Algorithms developed to predict the effect of missense changes on protein structure and function (SIFT, PolyPhen-2, Align-GVGD) all suggest that this variant is likely to be disruptive. This variant has not been reported in the literature in individuals affected with DMD-related conditions. This variant is not present in population databases (gnomAD no frequency). This sequence change replaces leucine, which is neutral and non-polar, with valine, which is neutral and non-polar, at codon 2866 of the DMD protein (p.Leu2866Val).